The following is an entry in ClinVar:

ClinVar aggregate classification (germline): Uncertain significance (1 of 4 stars; one submission).

Conditions:
Aortic aneurysm, familial thoracic 8 (AAT8). Identifiers: MedGen C3809513, MONDO:0014187, OMIM 615436.

Submission:

Labcorp Genetics (formerly Invitae), Labcorp
Classification: Uncertain significance for Aortic aneurysm, familial thoracic 8. Last evaluated: 2022-02-18. Review status: criteria provided, single submitter. Criteria: Invitae Variant Classification Sherloc (09022015). Collection method: clinical testing. Allele origin: germline.
Comment: In summary, the available evidence is currently insufficient to determine the role of this variant in disease. Therefore, it has been classified as a Variant of Uncertain Significance. This variant has not been reported in the literature in individuals affected with PRKG1-related conditions. This variant results in a copy number gain of the genomic region encompassing exon(s) 18 of the PRKG1 gene. This region includes the termination codon of the gene. This copy number gain extends beyond the assayed region for this gene and therefore may encompass additional genes. As the precise location of this event is unknown, it may be in tandem or it may be located elsewhere in the genome.

NC_000010.10:g.(?_54053542)_(54053660_?)dup

Gene: PRKG1 (protein kinase cGMP-dependent 1; plus strand). Cytogenetic location: 10q21.1.
Variant type: Duplication.
Identifiers: ClinVar variation 2425545 (VCV002425545.4).